The following is an entry in ClinVar:

NM_001374353.1(GLI2):c.904C>T (p.Gln302Ter)

Gene: GLI2 (GLI family zinc finger 2; plus strand). Cytogenetic location: 2q14.2.
Variant type: single nucleotide variant.
Coding change: c.904C>T on transcript NM_001374353.1 (MANE Select); coding-DNA position 904, C replaced by T.
Protein change: p.Gln302Ter; replaces glutamine 302 with a stop codon.
Molecular consequence: nonsense.
Genome position (GRCh38, 1-based): chr2:120,970,451, C>T. VCF-style: chr2-120970451-C-T. GRCh37 (hg19) VCF-style: chr2-121728027-C-T.
Other names: c.904C>T, p.Gln302Ter (NM_001371271.1, NM_005270.5); c.529C>T, p.Gln177Ter (NM_001374354.1); short protein forms Q302*, Q177*.
Identifiers: ClinVar variation 4787294 (VCV004787294.1).
Genomic context (GRCh38, chr2:120,970,451, plus strand): 5'-AGCCCAGCCTTCACCTTCCCCCACCCCATCAACCCCGTGGCCTACCAGCAGATTCTGAGC[C>T]AGCAGAGGGGTCTGGGGTCAGCCTTTGGACACACACCACCCCTGATCCAGCCCTCACCCA-3'

ClinVar aggregate classification (germline): Pathogenic (1 of 4 stars; one submission).

Conditions:
Holoprosencephaly 9 (HPE9). Also called: PITUITARY ANOMALIES WITH HOLOPROSENCEPHALY-LIKE FEATURES; HOLOPROSENCEPHALY WITH MICROPHTHALMIA AND FIRST BRANCHIAL ARCH ANOMALIES. Identifiers: Orphanet 2162, MedGen C1835819, MONDO:0012563, OMIM 610829.
Postaxial polydactyly-anterior pituitary anomalies-facial dysmorphism syndrome. Also called: Culler-Jones syndrome. Identifiers: Orphanet 420584, MedGen C4014479, MONDO:0014369, OMIM 615849.

Submission:

Labcorp Genetics (formerly Invitae), Labcorp
Classification: Pathogenic for Postaxial polydactyly-anterior pituitary anomalies-facial dysmorphism syndrome; Holoprosencephaly 9. Last evaluated: 2026-01-18. Review status: criteria provided, single submitter. Criteria: Invitae Variant Classification Sherloc (09022015). Collection method: clinical testing. Allele origin: germline.
Comment: This sequence change creates a premature translational stop signal (p.Gln302*) in the GLI2 gene. It is expected to result in an absent or disrupted protein product. Loss-of-function variants in GLI2 are known to be pathogenic (PMID: 20685856, 24744436). This variant is not present in population databases (gnomAD no frequency). This variant has not been reported in the literature in individuals affected with GLI2-related conditions. Algorithms developed to predict the effect of sequence changes on RNA splicing suggest that this variant may disrupt the consensus splice site. For these reasons, this variant has been classified as Pathogenic.

Literature cited by the submitters: PubMed 20685856; PubMed 24744436.